The following is an entry in ClinVar:

NM_000271.5(NPC1):c.2474A>G (p.Tyr825Cys)

Gene: NPC1 (NPC intracellular cholesterol transporter 1; minus strand). Cytogenetic location: 18q11.2.
Variant type: single nucleotide variant.
Coding change: c.2474A>G on transcript NM_000271.5 (MANE Select); coding-DNA position 2474, A replaced by G.
Protein change: p.Tyr825Cys; replaces tyrosine 825 with cysteine.
Molecular consequence: missense variant.
Genome position (GRCh38, 1-based): chr18:23,541,108, T>C on the plus strand (A>G on the coding strand, the complement: NPC1 is on the minus strand). VCF-style: chr18-23541108-T-C. GRCh37 (hg19) VCF-style: chr18-21121072-T-C.
Other names: short protein forms Y825C.
Identifiers: ClinVar variation 370184 (VCV000370184.28), dbSNP rs550562774, ClinGen allele CA16041913.

ClinVar aggregate classification (germline): Pathogenic/Likely pathogenic. Review status: criteria provided, multiple submitters, no conflicts (2 of 4 stars). 11 submissions from 11 submitters: Pathogenic (2); Likely pathogenic (5). 4 of the submissions do not count toward it. Last evaluated 2026-01-05.

Conditions:
Niemann-Pick disease, type C1. Also called: NEUROVISCERAL STORAGE DISEASE WITH VERTICAL SUPRANUCLEAR OPHTHALMOPLEGIA; NIEMANN-PICK DISEASE WITH CHOLESTEROL ESTERIFICATION BLOCK; NIEMANN-PICK DISEASE WITHOUT SPHINGOMYELINASE DEFICIENCY; NIEMANN-PICK DISEASE, CHRONIC NEURONOPATHIC FORM; NIEMANN-PICK DISEASE, VARIANT TYPE C1. Identifiers: Orphanet 646, MedGen C3179455, MONDO:0009757, OMIM 257220.

Allele frequency attached by ClinVar (database versions not stated): gnomAD exomes 0.00001; TOPMed 0.00002; gnomAD 0.00003.
gnomAD v4.1: 19 of 1,614,078 alleles (0.0012%); highest among the groups gnomAD compares: African/African-American, 0.0027%; no homozygotes.

Submissions (11):

Variantyx, Inc.
Classification: Likely pathogenic for Niemann-Pick disease, type C1. Last evaluated: 2026-01-05. Review status: criteria provided, single submitter. Criteria: Variantyx Assertion Criteria 2022. Collection method: clinical testing. Allele origin: germline. Inheritance: Autosomal recessive inheritance. Affected: yes.
Comment: This is a nonsynonymous variant in the NPC1 gene (OMIM: 607623). Pathogenic variants in this gene have been associated with autosomal recessive Niemann-Pick disease type C1. This variant has been identified in the homozygous or compound heterozygous state in at least 4 individuals reported in the published literature (PMID: 36325261, 32222928, 16126423, 27581084) (PM3_Strong), and it has a 0.0027% maximum allele frequency in non-founder control populations (PM2). Multiple computational algorithms predict a deleterious effect for this variant (REVEL score: 0.875) (PP3). Based on the current evidence, this variant is classified as likely pathogenic for autosomal recessive Niemann-Pick disease type C1.A

Natera, Inc.
Classification: Pathogenic for Niemann-Pick disease type C1. Last evaluated: 2025-02-09. Review status: criteria provided, single submitter. Criteria: Natera Variant Classification Schema (03/2026). Collection method: clinical testing. Allele origin: germline.
Comment: The c.2474A>G variant in NPC1 is a missense variant predicted to cause substitution of tyrosine to cysteine at amino acid 825. This variant is rare in the general population with a frequency below the threshold expected for the associated phenotype(s). This variant has been observed in one or more individuals affected with the associated recessive disease, as either homozygous or compound heterozygous with a second variant (PMID: 23433426, 26981555, 27581084, 30285904). Computational prediction algorithms indicate this variant is likely to affect gene or protein function. Given the available evidence, this variant is classified as Pathogenic.

Labcorp Genetics (formerly Invitae), Labcorp
Classification: Pathogenic for Niemann-Pick disease, type C1. Last evaluated: 2024-01-21. Review status: criteria provided, single submitter. Criteria: Invitae Variant Classification Sherloc (09022015). Collection method: clinical testing. Allele origin: germline.
Comment: This sequence change replaces tyrosine, which is neutral and polar, with cysteine, which is neutral and slightly polar, at codon 825 of the NPC1 protein (p.Tyr825Cys). This variant is present in population databases (rs550562774, gnomAD 0.003%). This missense change has been observed in individual(s) with Niemann-Pick type C (PMID: 11349231, 16126423, 23433426, 27581084). ClinVar contains an entry for this variant (Variation ID: 370184). Advanced modeling of protein sequence and biophysical properties (such as structural, functional, and spatial information, amino acid conservation, physicochemical variation, residue mobility, and thermodynamic stability) performed at Invitae indicates that this missense variant is expected to disrupt NPC1 protein function with a positive predictive value of 95%. For these reasons, this variant has been classified as Pathogenic.

Revvity Omics, Revvity
Classification: Likely pathogenic for Niemann-Pick disease, type C1. Last evaluated: 2022-09-28. Review status: criteria provided, single submitter. Criteria: ACMG Guidelines, 2015. Collection method: clinical testing. Allele origin: germline.

AiLife Diagnostics
Classification: Likely pathogenic. Last evaluated: 2022-03-24. Review status: criteria provided, single submitter. Criteria: ACMG Guidelines, 2015. Collection method: clinical testing. Allele origin: germline. Affected: yes. Observed: 1 variant allele.

Eurofins Ntd Llc (ga)
Classification: Likely pathogenic. Last evaluated: 2018-06-30. Review status: criteria provided, single submitter. Criteria: EGL ClinVar v180209 classification definitions. Collection method: clinical testing. Allele origin: germline. Observed: 1 variant allele, 1 heterozygote.

Institute for Medical Genetics and Human Genetics, Charité - Universitätsmedizin Berlin
Classification: Likely pathogenic. Review status: criteria provided, single submitter. Criteria: ACMG Guidelines, 2015. Collection method: not provided. Allele origin: germline. Affected: yes.

Counsyl
Classification: Likely pathogenic for Niemann-Pick disease, type C1. Last evaluated: 2016-09-09. Review status: no assertion criteria provided. Collection method: clinical testing. Allele origin: unknown. Not counted in ClinVar's aggregate classification.

Clinical Genetics DNA and cytogenetics Diagnostics Lab, Erasmus MC, Erasmus Medical Center
Classification: Likely pathogenic. Review status: no assertion criteria provided. Collection method: clinical testing. Allele origin: germline. Affected: yes. Study: VKGL Data-share Consensus. Not counted in ClinVar's aggregate classification.

Clinical Genetics, Academic Medical Center
Classification: Pathogenic. Review status: no assertion criteria provided. Collection method: clinical testing. Allele origin: germline. Affected: yes. Study: VKGL Data-share Consensus. Not counted in ClinVar's aggregate classification.

Diagnostic Laboratory, Department of Genetics, University Medical Center Groningen
Classification: Pathogenic. Review status: no assertion criteria provided. Collection method: clinical testing. Allele origin: germline. Affected: yes. Study: VKGL Data-share Consensus. Not counted in ClinVar's aggregate classification.

Literature cited by the submitters: PubMed 36325261 (cited by Variantyx, Inc.); PubMed 32222928 (cited by Variantyx, Inc. and AiLife Diagnostics); PubMed 16126423 (cited by 3 submitters); PubMed 27581084 (cited by 4 submitters); PubMed 23433426 (cited by 3 submitters); PubMed 26981555 (cited by Natera, Inc.); PubMed 30285904 (cited by Natera, Inc.); PubMed 11349231 (cited by Labcorp Genetics (formerly Invitae), Labcorp and Counsyl); PubMed 11333381 (cited by AiLife Diagnostics); PubMed 11754101 (cited by Counsyl); PubMed 19744920 (cited by Counsyl).